The following is an entry in ClinVar:

ClinVar aggregate classification (germline): Uncertain significance (1 of 4 stars; one submission).

Conditions:
Cystic fibrosis (CF). Also called: MUCOVISCIDOSIS. Identifiers: Orphanet 586, MedGen C0010674, MONDO:0009061, OMIM 219700. Disease mechanism: loss of function.

Submission:

Ambry Genetics
Classification: Uncertain significance for Cystic fibrosis. Last evaluated: 2024-10-11. Review status: criteria provided, single submitter. Criteria: Ambry Variant Classification Scheme 2023. Collection method: clinical testing. Allele origin: germline.
Comment: The p.R1434M variant (also known as c.4301G>T), located in coding exon 27 of the CFTR gene, results from a G to T substitution at nucleotide position 4301. The arginine at codon 1434 is replaced by methionine, an amino acid with similar properties. This amino acid position is conserved. In addition, this alteration is predicted to be tolerated by in silico analysis. Based on the available evidence, the clinical significance of this variant remains unclear.

NM_000492.4(CFTR):c.4301G>T (p.Arg1434Met)

Genes: CFTR (CF transmembrane conductance regulator; plus strand), LOC111674477 (CFTR intron 23 enhancer; plus strand). Cytogenetic location: 7q31.2.
Variant type: single nucleotide variant.
Coding change: c.4301G>T on transcript NM_000492.4 (MANE Select); coding-DNA position 4301, G replaced by T.
Protein change: p.Arg1434Met; replaces arginine 1434 with methionine.
Molecular consequence: missense variant.
Genome position (GRCh38, 1-based): chr7:117,666,966, G>T. VCF-style: chr7-117666966-G-T. GRCh37 (hg19) VCF-style: chr7-117307020-G-T.
Other names: short protein forms R1434M.
Identifiers: ClinVar variation 3491680 (VCV003491680.1).